The following is an entry in ClinVar:

ClinVar aggregate classification (germline): Uncertain significance (1 of 4 stars; one submission).

Conditions:
Congenital myasthenic syndrome 12 (CMS12). Also called: Myasthenia, congenital, 12, with tubular aggregates; MYASTHENIC SYNDROME, CONGENITAL, WITH TUBULAR AGGREGATES 1. Identifiers: Orphanet 353327, Orphanet 590, MedGen C3552335, MONDO:0012518, OMIM 610542.

Allele frequency attached by ClinVar (database versions not stated): gnomAD exomes below 0.00001; ExAC 0.00001.
gnomAD v4.1: 1 of 1,610,198 alleles (0.000062%); highest among the groups gnomAD compares: Admixed American, 0.0017%; no homozygotes.

Submission:

Labcorp Genetics (formerly Invitae), Labcorp
Classification: Uncertain significance for Congenital myasthenic syndrome 12. Last evaluated: 2022-03-17. Review status: criteria provided, single submitter. Criteria: Invitae Variant Classification Sherloc (09022015). Collection method: clinical testing. Allele origin: germline.
Comment: This sequence change replaces lysine, which is basic and polar, with arginine, which is basic and polar, at codon 154 of the GFPT1 protein (p.Lys154Arg). This variant is present in population databases (rs769251120, gnomAD 0.006%). This variant has not been reported in the literature in individuals affected with GFPT1-related conditions. Algorithms developed to predict the effect of missense changes on protein structure and function are either unavailable or do not agree on the potential impact of this missense change (SIFT: "Deleterious"; PolyPhen-2: "Possibly Damaging"; Align-GVGD: "Class C0"). In summary, the available evidence is currently insufficient to determine the role of this variant in disease. Therefore, it has been classified as a Variant of Uncertain Significance.

NM_001244710.2(GFPT1):c.461A>G (p.Lys154Arg)

Gene: GFPT1 (glutamine--fructose-6-phosphate transaminase 1; minus strand). Cytogenetic location: 2p13.3.
Variant type: single nucleotide variant.
Coding change: c.461A>G on transcript NM_001244710.2 (MANE Select); coding-DNA position 461, A replaced by G.
Protein change: p.Lys154Arg; replaces lysine 154 with arginine.
Molecular consequence: missense variant.
Genome position (GRCh38, 1-based): chr2:69,358,411, T>C on the plus strand (A>G on the coding strand, the complement: GFPT1 is on the minus strand). VCF-style: chr2-69358411-T-C. GRCh37 (hg19) VCF-style: chr2-69585543-T-C.
Other names: c.461A>G, p.Lys154Arg (NM_002056.4); short protein forms K154R.
Identifiers: ClinVar variation 2047914 (VCV002047914.4), dbSNP rs769251120, ClinGen allele CA1693870.
Genomic context (GRCh38, chr2:69,358,411, plus strand): 5'-ACCAAGGTAGTAAAGCTGGTATCTTGACTTTCCCGATTGTCATACATATACTTAACGAGC[T>C]TGGCAATTGTCTCTGTGTCTGTTTCAGATTCGAAGTCATAGCCTTTGCTTTCCTGTAAGT-3'
Protein context (NP_001231639.1, residues 144-164): ESETDTETIA[Lys154Arg]LVKYMYDNRE